The following is an entry in ClinVar:

NM_001360.3(DHCR7):c.300_301del (p.Thr101fs)

Gene: DHCR7 (7-dehydrocholesterol reductase; minus strand). Cytogenetic location: 11q13.4.
Variant type: Microsatellite.
Coding change: c.300_301del on transcript NM_001360.3 (MANE Select); coding-DNA positions 300 to 301, 2 bases deleted (TA; older notation c.300_301delTA).
Protein change: p.Thr101fs; shifts the reading frame from threonine 101.
Molecular consequence: frameshift variant.
Genome position (GRCh38, 1-based): chr11:71,444,013-71,444,014, TA deleted on the plus strand (TA on the coding strand, the reverse complement: DHCR7 is on the minus strand); deleting any 2 consecutive bases within chr11:71,444,013-71,444,016 gives the same sequence; the c. name uses the placement nearest the transcript's 3' end. VCF-style (leftmost placement, unchanged base first): chr11-71444012-GTA-G. GRCh37 (hg19) VCF-style: chr11-71155058-GTA-G.
Other names: c.300_301del, p.Thr101fs (NM_001163817.2, NM_001425107.1, NM_001425108.1 and 8 more transcripts); c.204_205del, p.Thr69fs (NM_001425113.1, NM_001425114.1, NM_001425116.1); c.126_127del, p.Thr43fs (NM_001425117.1); short protein forms T101fs, T43fs, T69fs.
Identifiers: ClinVar variation 5014863 (VCV005014863.1).

ClinVar aggregate classification (germline): Pathogenic (1 of 4 stars; one submission).

Conditions:
Smith-Lemli-Opitz syndrome (SLOS). Also called: LETHAL ACRODYSGENITAL SYNDROME; POLYDACTYLY, SEX REVERSAL, RENAL HYPOPLASIA, AND UNILOBAR LUNG; RSH SYNDROME; RUTLEDGE LETHAL MULTIPLE CONGENITAL ANOMALY SYNDROME; 7-Dehydrocholesterol reductase deficiency. Identifiers: Orphanet 818, MedGen C0175694, MONDO:0010035, OMIM 270400.

Submission:

Myriad Genetics, Inc.
Classification: Pathogenic for Smith-Lemli-Opitz syndrome. Last evaluated: 2025-08-13. Review status: criteria provided, single submitter. Criteria: Myriad Autosomal Dominant, Autosomal Recessive and X-Linked Classification Criteria (2023). Collection method: clinical testing. Allele origin: unknown.
Comment: NM_001360.2(DHCR7):c.300_301delTA(T101Lfs*15) is expected to be pathogenic in the context of Smith-Lemli-Opitz syndrome. This variant is predicted to lead to an abnormal or absent protein product due to the creation of a premature termination codon in DHCR7, a gene where loss-of-function variants are known to be pathogenic. Please note: this variant was assessed in the context of healthy population screening.